The following is an entry in ClinVar:

ClinVar aggregate classification (germline): Uncertain significance (1 of 4 stars; one submission).

Conditions:
PLXNA3-related disorder. Also called: PLXNA3-related condition.

gnomAD v4.1: 18 of 1,206,410 alleles (0.0015%); highest among the groups gnomAD compares: East Asian, 0.003%; no homozygotes.

Submission:

PreventionGenetics, part of Exact Sciences
Classification: Uncertain significance for PLXNA3-related condition. Last evaluated: 2025-01-29. Review status: criteria provided, single submitter. Criteria: ACMG Guidelines, 2015. Collection method: clinical testing. Allele origin: germline.
Comment: The PLXNA3 c.2507G>A variant is predicted to result in the amino acid substitution p.Arg836Gln. To our knowledge, this variant has not been reported in the literature. This variant is reported in 0.0056% of alleles in individuals of South Asian descent in gnomAD, including one hemizygote. At this time, the clinical significance of this variant is uncertain due to the absence of conclusive functional and genetic evidence.

NM_017514.5(PLXNA3):c.2507G>A (p.Arg836Gln)

Gene: PLXNA3 (plexin A3; plus strand). Cytogenetic location: Xq28.
Variant type: single nucleotide variant.
Coding change: c.2507G>A on transcript NM_017514.5 (MANE Select); coding-DNA position 2507, G replaced by A.
Protein change: p.Arg836Gln; replaces arginine 836 with glutamine.
Molecular consequence: missense variant.
Genome position (GRCh38, 1-based): chrX:154,465,822, G>A. VCF-style: chrX-154465822-G-A. GRCh37 (hg19) VCF-style: chrX-153694165-G-A.
Other names: short protein forms R836Q.
Identifiers: ClinVar variation 4986732 (VCV004986732.1).
Genomic context (GRCh38, chrX:154,465,822, plus strand): 5'-TGCGGACCCACTGCCCGGCCCCGAAGACCAACTGGATGCACCTGAGCCAGAAGGGCACCC[G>A]GTGCAGCCACCCCCGCATCACGCAGGTCAGCCTCCCTCACCGCCCCTGCCCACTGCCAAC-3'
Protein context (NP_059984.3, residues 826-846): NWMHLSQKGT[Arg836Gln]CSHPRITQIH